The following is an entry in ClinVar:

NM_001242896.3(DEPDC5):c.3578del (p.Leu1193fs)

Gene: DEPDC5 (DEP domain containing 5, GATOR1 subcomplex subunit; plus strand). Cytogenetic location: 22q12.3.
Variant type: Deletion.
Coding change: c.3578del on transcript NM_001242896.3 (MANE Select); coding-DNA position 3578, one base deleted (T; older notation c.3578delT).
Protein change: p.Leu1193fs; shifts the reading frame from leucine 1193.
Molecular consequence: frameshift variant. On other transcripts: non-coding transcript variant (4).
Genome position (GRCh38, 1-based): chr22:31,874,287, T deleted. VCF-style (leftmost placement, unchanged base first): chr22-31874286-CT-C. GRCh37 (hg19) VCF-style: chr22-32270272-CT-C.
Other names: c.3551del, p.Leu1184fs (NM_001136029.4); c.3278del, p.Leu1093fs (NM_001242897.2); c.3512del, p.Leu1171fs (NM_001363852.2, NM_001364320.2); c.3344del, p.Leu1115fs (NM_001363854.2, NM_001364319.2); c.3578del, p.Leu1193fs (NM_001364318.2); c.3494del, p.Leu1165fs (NM_001369901.1, NM_001369902.1); c.3485del, p.Leu1162fs (NM_001369903.1, NM_014662.6); short protein forms L1093fs, L1115fs, L1162fs, L1165fs, L1171fs, L1184fs, L1193fs.
Identifiers: ClinVar variation 1071232 (VCV001071232.7), dbSNP rs1309891064, ClinGen allele CA752475821.

ClinVar aggregate classification (germline): Pathogenic (1 of 4 stars; one submission).

Conditions:
Familial focal epilepsy with variable foci (FPEVF). Identifiers: Orphanet 98820, MedGen C1858477, MONDO:0020310.

Allele frequency attached by ClinVar (database versions not stated): gnomAD exomes below 0.00001; TOPMed below 0.00001.

Submission:

Labcorp Genetics (formerly Invitae), Labcorp
Classification: Pathogenic for Familial focal epilepsy with variable foci. Last evaluated: 2025-12-31. Review status: criteria provided, single submitter. Criteria: Invitae Variant Classification Sherloc (09022015). Collection method: clinical testing. Allele origin: germline.
Comment: This sequence change creates a premature translational stop signal (p.Leu1193Argfs*23) in the DEPDC5 gene. It is expected to result in an absent or disrupted protein product. Loss-of-function variants in DEPDC5 are known to be pathogenic (PMID: 23542697, 23542701). This variant is not present in population databases (gnomAD no frequency). This variant has not been reported in the literature in individuals affected with DEPDC5-related conditions. ClinVar contains an entry for this variant (Variation ID: 1071232). For these reasons, this variant has been classified as Pathogenic.

Literature cited by the submitters: PubMed 23542697; PubMed 23542701.